The following is an entry in ClinVar:

NM_006662.3(SRCAP):c.5609C>G (p.Pro1870Arg)

Gene: SRCAP (Snf2 related CREBBP activator protein; plus strand). Cytogenetic location: 16p11.2.
Variant type: single nucleotide variant.
Coding change: c.5609C>G on transcript NM_006662.3 (MANE Select); coding-DNA position 5609, C replaced by G.
Protein change: p.Pro1870Arg; replaces proline 1870 with arginine.
Molecular consequence: missense variant.
Genome position (GRCh38, 1-based): chr16:30,725,033, C>G. VCF-style: chr16-30725033-C-G. GRCh37 (hg19) VCF-style: chr16-30736354-C-G.
Other names: short protein forms P1870R.
Identifiers: ClinVar variation 3621835 (VCV003621835.2).

ClinVar aggregate classification (germline): Uncertain significance (1 of 4 stars; one submission).

Submission:

Labcorp Genetics (formerly Invitae), Labcorp
Classification: Uncertain significance. Last evaluated: 2024-09-12. Review status: criteria provided, single submitter. Criteria: Invitae Variant Classification Sherloc (09022015). Collection method: clinical testing. Allele origin: germline.
Comment: This sequence change replaces proline, which is neutral and non-polar, with arginine, which is basic and polar, at codon 1870 of the SRCAP protein (p.Pro1870Arg). This variant is not present in population databases (gnomAD no frequency). This variant has not been reported in the literature in individuals affected with SRCAP-related conditions. Invitae Evidence Modeling of protein sequence and biophysical properties (such as structural, functional, and spatial information, amino acid conservation, physicochemical variation, residue mobility, and thermodynamic stability) indicates that this missense variant is not expected to disrupt SRCAP protein function with a negative predictive value of 80%. In summary, the available evidence is currently insufficient to determine the role of this variant in disease. Therefore, it has been classified as a Variant of Uncertain Significance.